The following is an entry in ClinVar:

ClinVar aggregate classification (germline): Likely pathogenic (0 of 4 stars; one submission).

Conditions:
Deficiency of hydroxymethylglutaryl-CoA lyase (HMGCLD). Also called: HMGCL DEFICIENCY; HYDROXYMETHYLGLUTARIC ACIDURIA; Defect in leucine metabolism; 3-hydroxy-3-methylglutaric aciduria; HMG-CoA LYASE DEFICIENCY. Identifiers: Orphanet 20, MedGen C1533587, MONDO:0009520, OMIM 246450.

Submission:

Department of Genetics, Suzhou Beikang Medical Laboratory
Classification: Likely pathogenic for Deficiency of hydroxymethylglutaryl-CoA lyase. Last evaluated: 2024-10-31. Review status: no assertion criteria provided. Collection method: clinical testing. Allele origin: germline. Affected: no.
Comment: This sequence change creates a premature translational stop signal (p.Ile560Hisfs*8) in the HMGCL gene. It is expected to result in an absent or disrupted protein product. Loss-of-function variants in HMGCL are known to be pathogenic (PMID: 9817922, 17692550, 23465862). This variant is not present in population databases (gnomAD no frequency). This variant has not been reported in the literature in individuals affected with HMGCL-related conditions.In summary, the currently available evidence indicates that the variant is pathogenic, but additional data are needed to prove that conclusively. For these reasons, this variant has been classified as Likely Pathogenic.

NM_000191.3(HMGCL):c.610dup (p.Asp204fs)

Gene: HMGCL (3-hydroxy-3-methylglutaryl-CoA lyase; minus strand). Cytogenetic location: 1p36.11.
Variant type: Duplication.
Coding change: c.610dup on transcript NM_000191.3 (MANE Select); coding-DNA position 610, one base duplicated (G; older notation c.610dupG).
Protein change: p.Asp204fs; shifts the reading frame from aspartic acid 204.
Molecular consequence: frameshift variant.
Genome position (GRCh38, 1-based): chr1:23,808,275, C duplicated on the plus strand (G on the coding strand, the reverse complement: HMGCL is on the minus strand); the first of 5 consecutive C bases (chr1:23,808,275-23,808,279); duplicating any one gives the same sequence. VCF-style (leftmost placement, unchanged base first): chr1-23808274-T-TC. GRCh37 (hg19) VCF-style: chr1-24134764-T-TC.
Other names: c.397dup, p.Asp133fs (NM_001166059.2); short protein forms D133fs, D204fs.
Identifiers: ClinVar variation 3370427 (VCV003370427.1).